The following is an entry in ClinVar:

NM_001567.4(INPPL1):c.3467G>C (p.Arg1156Pro)

Gene: INPPL1 (inositol polyphosphate phosphatase like 1; plus strand). Cytogenetic location: 11q13.4.
Variant type: single nucleotide variant.
Coding change: c.3467G>C on transcript NM_001567.4 (MANE Select); coding-DNA position 3467, G replaced by C.
Protein change: p.Arg1156Pro; replaces arginine 1156 with proline.
Molecular consequence: missense variant.
Genome position (GRCh38, 1-based): chr11:72,237,711, G>C. VCF-style: chr11-72237711-G-C. GRCh37 (hg19) VCF-style: chr11-71948755-G-C.
Other names: short protein forms R1156P.
Identifiers: ClinVar variation 1984938 (VCV001984938.2), dbSNP rs773081790, ClinGen allele CA6170646.

ClinVar aggregate classification (germline): Uncertain significance (1 of 4 stars; one submission).

gnomAD v4.1: 119 of 1,611,040 alleles (0.0074%); highest among the groups gnomAD compares: South Asian, 0.056%; no homozygotes.

Submission:

Labcorp Genetics (formerly Invitae), Labcorp
Classification: Uncertain significance. Last evaluated: 2022-05-15. Review status: criteria provided, single submitter. Criteria: Invitae Variant Classification Sherloc (09022015). Collection method: clinical testing. Allele origin: germline.
Comment: In summary, the available evidence is currently insufficient to determine the role of this variant in disease. Therefore, it has been classified as a Variant of Uncertain Significance. Algorithms developed to predict the effect of missense changes on protein structure and function are either unavailable or do not agree on the potential impact of this missense change (SIFT: "Deleterious"; PolyPhen-2: "Possibly Damaging"; Align-GVGD: "Class C0"). This variant has not been reported in the literature in individuals affected with INPPL1-related conditions. This variant is present in population databases (rs773081790, gnomAD 0.04%). This sequence change replaces arginine, which is basic and polar, with proline, which is neutral and non-polar, at codon 1156 of the INPPL1 protein (p.Arg1156Pro).